The following is an entry in ClinVar:

NM_005477.3(HCN4):c.2711T>C (p.Ile904Thr)

Gene: HCN4 (hyperpolarization activated cyclic nucleotide gated potassium channel 4; minus strand). Cytogenetic location: 15q24.1.
Variant type: single nucleotide variant.
Coding change: c.2711T>C on transcript NM_005477.3 (MANE Select); coding-DNA position 2711, T replaced by C.
Protein change: p.Ile904Thr; replaces isoleucine 904 with threonine.
Molecular consequence: missense variant.
Genome position (GRCh38, 1-based): chr15:73,323,382, A>G on the plus strand (T>C on the coding strand, the complement: HCN4 is on the minus strand). VCF-style: chr15-73323382-A-G. GRCh37 (hg19) VCF-style: chr15-73615723-A-G.
Other names: short protein forms I904T.
Identifiers: ClinVar variation 844317 (VCV000844317.8), dbSNP rs1179112808, ClinGen allele CA393088323.

ClinVar aggregate classification (germline): Conflicting classifications of pathogenicity. Review status: criteria provided, conflicting classifications (1 of 4 stars). 2 submissions from 2 submitters: Uncertain significance (1); Likely benign (1). Last evaluated 2023-06-30.

Conditions:
Brugada syndrome 8 (BRGDA8). Identifiers: Orphanet 130, MedGen C2751083, MONDO:0013148, OMIM 613123.
Cardiovascular phenotype. Identifiers: MedGen CN230736.

Allele frequency attached by ClinVar (database versions not stated): gnomAD 0.00001.

Submissions (2):

Ambry Genetics
Classification: Likely benign for Cardiovascular phenotype. Last evaluated: 2023-06-30. Review status: criteria provided, single submitter. Criteria: Ambry Variant Classification Scheme 2023. Collection method: clinical testing. Allele origin: germline.

Labcorp Genetics (formerly Invitae), Labcorp
Classification: Uncertain significance for Brugada syndrome 8. Last evaluated: 2023-04-05. Review status: criteria provided, single submitter. Criteria: Invitae Variant Classification Sherloc (09022015). Collection method: clinical testing. Allele origin: germline.
Comment: This sequence change replaces isoleucine, which is neutral and non-polar, with threonine, which is neutral and polar, at codon 904 of the HCN4 protein (p.Ile904Thr). This variant is present in population databases (no rsID available, gnomAD 0.01%). This variant has not been reported in the literature in individuals affected with HCN4-related conditions. ClinVar contains an entry for this variant (Variation ID: 844317). Advanced modeling of protein sequence and biophysical properties (such as structural, functional, and spatial information, amino acid conservation, physicochemical variation, residue mobility, and thermodynamic stability) performed at Invitae indicates that this missense variant is not expected to disrupt HCN4 protein function. In summary, the available evidence is currently insufficient to determine the role of this variant in disease. Therefore, it has been classified as a Variant of Uncertain Significance.